The following is an entry in ClinVar:

ClinVar aggregate classification (germline): Benign. Review status: reviewed by expert panel (3 of 4 stars). 14 submissions from 14 submitters: Benign (1). 13 of the submissions do not count toward it. Last evaluated 2017-05-09.

Conditions:
Cardiovascular phenotype. Identifiers: MedGen CN230736.
Noonan syndrome and Noonan-related syndrome. Identifiers: Orphanet 98733, MedGen C5681679, MONDO:0020297.
RASopathy. Also called: rasopathies; Noonan spectrum disorder. Identifiers: Orphanet 536391, MedGen C5555857, MONDO:0021060.

Allele frequency attached by ClinVar (database versions not stated): 1000 Genomes Project 0.00539; 1000 Genomes Project 30x 0.00625; ExAC 0.01132; gnomAD exomes 0.01166 and 0.01759; TOPMed 0.01193; gnomAD 0.01205 and 0.01226; ESP Exome Variant Server 0.01492.
gnomAD v4.1: 27,274 of 1,613,370 alleles (1.7%); highest among the groups gnomAD compares: Non-Finnish European, 2.1%; 274 homozygotes.

Submissions (14):

ClinGen RASopathy Variant Curation Expert Panel
Classification: Benign for Noonan syndrome and Noonan-related syndrome. Last evaluated: 2017-05-09. Review status: reviewed by expert panel. Criteria: ClinGen RASopathy ACMG Specifications v1. Collection method: curation. Allele origin: germline. Inheritance: Autosomal dominant inheritance.
Comment: The filtering allele frequency of the c.711G>A (p.Gly237=) variant in the MAP2K1 gene is 1.612% (1130/66724) of European chromosomes by the Exome Aggregation Consortium, which is a high enough frequency to be classified as benign based on thresholds defined by the ClinGen RASopathy Expert Panel (BA1; PMID:29493581)

Labcorp Genetics (formerly Invitae), Labcorp
Classification: Benign for RASopathy. Last evaluated: 2026-02-03. Review status: criteria provided, single submitter. Criteria: Invitae Variant Classification Sherloc (09022015). Collection method: clinical testing. Allele origin: germline. Not counted in ClinVar's aggregate classification.

ARUP Laboratories, Molecular Genetics and Genomics, ARUP Laboratories
Classification: Benign. Last evaluated: 2025-07-10. Review status: criteria provided, single submitter. Criteria: ARUP Molecular Germline Variant Investigation Process 2024. Collection method: clinical testing. Allele origin: germline. Not counted in ClinVar's aggregate classification.

Blueprint Genetics
Classification: Benign. Last evaluated: 2024-11-27. Review status: criteria provided, single submitter. Criteria: ACMG Guidelines, 2015. Collection method: clinical testing. Allele origin: germline. Not counted in ClinVar's aggregate classification.

Genome Diagnostics Laboratory, The Hospital for Sick Children
Classification: Benign for Noonan syndrome and Noonan-related syndrome. Last evaluated: 2021-06-18. Review status: criteria provided, single submitter. Criteria: ACMG Guidelines, 2015. Collection method: clinical testing. Allele origin: germline. Not counted in ClinVar's aggregate classification.

Ambry Genetics
Classification: Benign for Cardiovascular phenotype. Last evaluated: 2019-07-30. Review status: criteria provided, single submitter. Criteria: Ambry Variant Classification Scheme 2023. Collection method: clinical testing. Allele origin: germline. Not counted in ClinVar's aggregate classification.

GeneDx
Classification: Benign. Last evaluated: 2015-03-03. Review status: criteria provided, single submitter. Criteria: GeneDx Variant Classification Process June 2021. Collection method: clinical testing. Allele origin: germline. Affected: yes. Not counted in ClinVar's aggregate classification.

Mayo Clinic Laboratories, Mayo Clinic
Classification: Benign. Last evaluated: 2014-08-06. Review status: criteria provided, single submitter. Criteria: ACMG Guidelines, 2015. Collection method: clinical testing. Allele origin: germline. Observed: 43 variant alleles. Not counted in ClinVar's aggregate classification.

Laboratory for Molecular Medicine, Mass General Brigham Personalized Medicine
Classification: Benign. Last evaluated: 2007-11-30. Review status: criteria provided, single submitter. Criteria: LMM Criteria. Collection method: clinical testing. Allele origin: germline. Observed: 87 variant alleles. Not counted in ClinVar's aggregate classification.

Breakthrough Genomics
Classification: Benign. Review status: criteria provided, single submitter. Criteria: ACMG Guidelines, 2015. Collection method: not provided. Allele origin: germline. Inheritance: Unknown mechanism. Affected: yes. Not counted in ClinVar's aggregate classification.

PreventionGenetics, part of Exact Sciences
Classification: Benign. Review status: criteria provided, single submitter. Criteria: ACMG Guidelines, 2015. Collection method: clinical testing. Allele origin: germline. Not counted in ClinVar's aggregate classification.

Greenwood Genetic Center Diagnostic Laboratories, Greenwood Genetic Center
Classification: Benign. Last evaluated: 2015-01-15. Review status: no assertion criteria provided. Collection method: clinical testing. Allele origin: germline. Not counted in ClinVar's aggregate classification.

Clinical Genetics, Academic Medical Center
Classification: Benign. Review status: no assertion criteria provided. Collection method: clinical testing. Allele origin: germline. Affected: yes. Study: VKGL Data-share Consensus. Not counted in ClinVar's aggregate classification.

Laboratory of Diagnostic Genome Analysis, Leiden University Medical Center (LUMC)
Classification: Likely benign. Review status: no assertion criteria provided. Collection method: clinical testing. Allele origin: germline. Affected: yes. Study: VKGL Data-share Consensus. Not counted in ClinVar's aggregate classification.

NM_002755.4(MAP2K1):c.711G>A (p.Gly237=)

Gene: MAP2K1 (mitogen-activated protein kinase kinase 1; plus strand). Cytogenetic location: 15q22.31.
Variant type: single nucleotide variant.
Coding change: c.711G>A on transcript NM_002755.4 (MANE Select); coding-DNA position 711, G replaced by A.
Protein change: p.Gly237=; no amino-acid change (glycine 237 retained).
Molecular consequence: synonymous variant.
Genome position (GRCh38, 1-based): chr15:66,485,007, G>A. VCF-style: chr15-66485007-G-A. GRCh37 (hg19) VCF-style: chr15-66777345-G-A.
Other names: p.G237G; NM_002755.3(MAP2K1):c.711G>A.
Identifiers: ClinVar variation 40754 (VCV000040754.41), dbSNP rs17586159, ClinGen allele CA134613.